The following is an entry in ClinVar:

NM_005726.6(TSFM):c.933del (p.Arg312fs)

Gene: TSFM (Ts translation elongation factor, mitochondrial; plus strand). Cytogenetic location: 12q14.1.
Variant type: Deletion.
Coding change: c.933del on transcript NM_005726.6 (MANE Select); coding-DNA position 933, one base deleted (G; older notation c.933delG).
Protein change: p.Arg312fs; shifts the reading frame from arginine 312.
Molecular consequence: frameshift variant. On other transcripts: 3 prime UTR variant (1), intron variant (1).
Genome position (GRCh38, 1-based): chr12:57,796,538, G deleted. VCF-style (leftmost placement, unchanged base first): chr12-57796537-TG-T. GRCh37 (hg19) VCF-style: chr12-58190320-TG-T.
Other names: c.*341del (NM_001172695.2); c.996del, p.Arg333fs (NM_001172696.2); c.571+3465del (NM_001172697.2); short protein forms R312fs, R333fs.
Identifiers: ClinVar variation 4814684 (VCV004814684.1).
Genomic context (GRCh38, chr12:57,796,537, plus strand): 5'-ATCCCTCCATTACCTTGGGGCAGTATGTGCAGCCTCAGGGGGTGTCGGTAGTAGACTTTG[TG>T]CGGTTTGAATGTGGAGAAGGTGAAGAGGCAGCAGAAACTGAATAGGTTCCAGAGACTTTT-3'

ClinVar aggregate classification (germline): Likely pathogenic (1 of 4 stars; one submission).

Conditions:
Fatal mitochondrial disease due to combined oxidative phosphorylation defect type 3. Also called: Combined oxidative phosphorylation deficiency 3; ENCEPHALOMYOPATHY, RESPIRATORY FAILURE, AND LACTIC ACIDOSIS. Identifiers: Orphanet 168566, MedGen C1864840, MONDO:0012512, OMIM 610505.

Submission:

Natera, Inc.
Classification: Likely pathogenic for Combined oxidative phosphorylation deficiency 3. Last evaluated: 2025-08-25. Review status: criteria provided, single submitter. Criteria: Natera Variant Classification Schema (03/2026). Collection method: clinical testing. Allele origin: germline.
Comment: The c.996del variant in TSFM is a frameshift variant predicted to elongate the protein beyond the termination codon. This variant is expected to result in nonsense mediated decay, truncation, or a dysfunctional protein product. This variant is rare in the general population with a frequency below the threshold expected for the associated phenotype(s). Given the available evidence, this variant is classified as Likely Pathogenic.